The following is an entry in ClinVar:

NM_005732.4(RAD50):c.3475+1G>A

Genes: TH2-LCR (Th2 cytokine locus control region; plus strand), TH2LCRR (T helper type 2 locus control region associated RNA; minus strand), RAD50 (RAD50 double strand break repair protein; plus strand). Cytogenetic location: 5q31.1.
Variant type: single nucleotide variant.
Coding change: c.3475+1G>A on transcript NM_005732.4 (MANE Select); the canonical splice donor site of the intron after coding-DNA position 3475, G replaced by A.
Molecular consequence: splice donor variant.
Genome position (GRCh38, 1-based): chr5:132,637,201, G>A. VCF-style: chr5-132637201-G-A. GRCh37 (hg19) VCF-style: chr5-131972893-G-A.
Identifiers: ClinVar variation 1731768 (VCV001731768.2), dbSNP rs1443728958, ClinGen allele CA360930693.

ClinVar aggregate classification (germline): Likely pathogenic (1 of 4 stars; one submission).

Conditions:
Hereditary cancer-predisposing syndrome. Also called: Neoplastic Syndromes, Hereditary; Tumor predisposition; Hereditary Cancer Syndrome; Hereditary neoplastic syndrome. Identifiers: Orphanet 140162, MedGen C0027672, MeSH D009386, MONDO:0015356.

Allele frequency attached by ClinVar (database versions not stated): gnomAD exomes below 0.00001.
gnomAD v4.1: 1 of 1,610,612 alleles (0.000062%); highest among the groups gnomAD compares: Non-Finnish European, 0.000085%; no homozygotes.

Submission:

Ambry Genetics
Classification: Likely pathogenic for Hereditary cancer-predisposing syndrome. Last evaluated: 2020-04-14. Review status: criteria provided, single submitter. Criteria: Ambry Variant Classification Scheme 2023. Collection method: clinical testing. Allele origin: germline.
Comment: The c.3475+1G>A intronic variant results from a G to A substitution one nucleotide after coding exon 22 of the RAD50 gene. This nucleotide position is highly conserved in available vertebrate species. Using the BDGP and ESEfinder splice site prediction tools, this alteration is predicted to abolish the native splice donor site; however, direct evidence is unavailable. Alterations that disrupt the canonical splice site are expected to cause aberrant splicing, resulting in an abnormal protein or a transcript that is subject to nonsense-mediated mRNA decay. As such, this alteration is classified as likely pathogenic.